The following is an entry in ClinVar:

NM_003907.3(EIF2B5):c.722G>T (p.Arg241Leu)

Gene: EIF2B5 (eukaryotic translation initiation factor 2B subunit epsilon; plus strand). Cytogenetic location: 3q27.1.
Variant type: single nucleotide variant.
Coding change: c.722G>T on transcript NM_003907.3 (MANE Select); coding-DNA position 722, G replaced by T.
Protein change: p.Arg241Leu; replaces arginine 241 with leucine.
Molecular consequence: missense variant.
Genome position (GRCh38, 1-based): chr3:184,138,203, G>T. VCF-style: chr3-184138203-G-T. GRCh37 (hg19) VCF-style: chr3-183855991-G-T.
Other names: short protein forms R241L.
Identifiers: ClinVar variation 2086534 (VCV002086534.4), dbSNP rs1713453539, ClinGen allele CA355382970.

ClinVar aggregate classification (germline): Likely pathogenic (1 of 4 stars; one submission).

Allele frequency attached by ClinVar (database versions not stated): gnomAD exomes below 0.00001; gnomAD 0.00001.
gnomAD v4.1: 2 of 1,613,934 alleles (0.00012%); highest among the groups gnomAD compares: African/African-American, 0.0027%; no homozygotes.

Submission:

Labcorp Genetics (formerly Invitae), Labcorp
Classification: Likely pathogenic. Last evaluated: 2022-01-16. Review status: criteria provided, single submitter. Criteria: Invitae Variant Classification Sherloc (09022015). Collection method: clinical testing. Allele origin: germline.
Comment: This sequence change replaces arginine, which is basic and polar, with leucine, which is neutral and non-polar, at codon 241 of the EIF2B5 protein (p.Arg241Leu). This variant is not present in population databases (gnomAD no frequency). This variant has not been reported in the literature in individuals affected with EIF2B5-related conditions. Advanced modeling of protein sequence and biophysical properties (such as structural, functional, and spatial information, amino acid conservation, physicochemical variation, residue mobility, and thermodynamic stability) performed at Invitae indicates that this missense variant is expected to disrupt EIF2B5 protein function. This variant disrupts the p.Leu68 amino acid residue in EIF2B5. Other variant(s) that disrupt this residue have been determined to be pathogenic (Invitae). This suggests that this residue is clinically significant, and that variants that disrupt this residue are likely to be disease-causing. In summary, the currently available evidence indicates that the variant is pathogenic, but additional data are needed to prove that conclusively. Therefore, this variant has been classified as Likely Pathogenic.